The following is an entry in ClinVar:

NM_203290.4(POLR1C):c.148C>T (p.Arg50Cys)

Gene: POLR1C (RNA polymerase I and III subunit C; plus strand). Cytogenetic location: 6p21.1.
Variant type: single nucleotide variant.
Coding change: c.148C>T on transcript NM_203290.4 (MANE Select); coding-DNA position 148, C replaced by T.
Protein change: p.Arg50Cys; replaces arginine 50 with cysteine.
Molecular consequence: missense variant.
Genome position (GRCh38, 1-based): chr6:43,519,339, C>T. VCF-style: chr6-43519339-C-T. GRCh37 (hg19) VCF-style: chr6-43487077-C-T.
Other names: c.148C>T, p.Arg50Cys (NM_001318876.2, NM_001363658.2); short protein forms R50C.
Identifiers: ClinVar variation 1465339 (VCV001465339.3), dbSNP rs749699177, ClinGen allele CA3825355.

ClinVar aggregate classification (germline): Uncertain significance (1 of 4 stars; one submission).

Allele frequency attached by ClinVar (database versions not stated): gnomAD 0.00001 and 0.00002; ExAC 0.00002; gnomAD exomes 0.00002.
gnomAD v4.1: 33 of 1,604,070 alleles (0.0021%); highest among the groups gnomAD compares: South Asian, 0.0099%; no homozygotes.

Submission:

Labcorp Genetics (formerly Invitae), Labcorp
Classification: Uncertain significance. Last evaluated: 2021-12-16. Review status: criteria provided, single submitter. Criteria: Invitae Variant Classification Sherloc (09022015). Collection method: clinical testing. Allele origin: germline.
Comment: This sequence change replaces arginine, which is basic and polar, with cysteine, which is neutral and slightly polar, at codon 50 of the POLR1C protein (p.Arg50Cys). This variant is present in population databases (rs749699177, gnomAD 0.007%). This variant has not been reported in the literature in individuals affected with POLR1C-related conditions. Algorithms developed to predict the effect of missense changes on protein structure and function are either unavailable or do not agree on the potential impact of this missense change (SIFT: "Not Available"; PolyPhen-2: "Benign"; Align-GVGD: "Not Available"). In summary, the available evidence is currently insufficient to determine the role of this variant in disease. Therefore, it has been classified as a Variant of Uncertain Significance.